The following is an entry in ClinVar:

ClinVar aggregate classification (germline): Uncertain significance (1 of 4 stars; one submission).

Conditions:
X-linked myopathy with postural muscle atrophy. Also called: FHL1-Related Emery-Dreifuss Muscular Dystrophy, X-Linked. Identifiers: Orphanet 178461, MedGen C2678055, MONDO:0010401, OMIM 300696.

Submission:

Institute of Human Genetics, University of Goettingen
Classification: Uncertain significance for X-linked myopathy with postural muscle atrophy. Last evaluated: 2024-10-08. Review status: criteria provided, single submitter. Criteria: ACMG Guidelines, 2015. Collection method: clinical testing. Allele origin: unknown. Inheritance: X-linked recessive inheritance. Affected: yes.
Comment: The variant c.610G>A (p.(Glu204Lys)) in exon 6 of the FHL1-gene is not found in the gnomAD database, it affects a moderately conserved nucleotide, and a moderately conserved amino acid and there is a small physicochemical difference between Glu and Lys. This variant has a pathogenic computational verdict based on in silico prediction algorithms. ACMG criteria used for classification: PM2_sup, PP3

NM_001159699.2(FHL1):c.658G>A (p.Glu220Lys)

Gene: FHL1 (four and a half LIM domains 1; plus strand). Cytogenetic location: Xq26.3.
Variant type: single nucleotide variant.
Coding change: c.658G>A on transcript NM_001159699.2 (MANE Select); coding-DNA position 658, G replaced by A.
Protein change: p.Glu220Lys; replaces glutamic acid 220 with lysine.
Molecular consequence: missense variant. On other transcripts: non-coding transcript variant (1), intron variant (2).
Genome position (GRCh38, 1-based): chrX:136,208,563, G>A. VCF-style: chrX-136208563-G-A. GRCh37 (hg19) VCF-style: chrX-135290722-G-A.
Other names: c.610G>A, p.Glu204Lys (NM_001159700.2, NM_001159702.3, NM_001159704.1 and 8 more transcripts); c.697G>A, p.Glu233Lys (NM_001159701.2); c.501+602G>A (NM_001159703.2); c.549+602G>A (NM_001330659.2); short protein forms E204K, E220K, E233K.
Identifiers: ClinVar variation 3602631 (VCV003602631.2).